The following is an entry in ClinVar:

NM_000059.4(BRCA2):c.8602A>G (p.Lys2868Glu)

Gene: BRCA2 (BRCA2 DNA repair associated; plus strand). Cytogenetic location: 13q13.1.
Variant type: single nucleotide variant.
Coding change: c.8602A>G on transcript NM_000059.4 (MANE Select); coding-DNA position 8602, A replaced by G.
Protein change: p.Lys2868Glu; replaces lysine 2868 with glutamic acid.
Molecular consequence: missense variant.
Genome position (GRCh38, 1-based): chr13:32,371,070, A>G. VCF-style: chr13-32371070-A-G. GRCh37 (hg19) VCF-style: chr13-32945207-A-G.
Other names: short protein forms K2868E.
Identifiers: ClinVar variation 1764023 (VCV001764023.5), dbSNP rs1469574477, ClinGen allele CA387752891.

ClinVar aggregate classification (germline): Conflicting classifications of pathogenicity. Review status: criteria provided, conflicting classifications (1 of 4 stars). 3 submissions from 3 submitters: Uncertain significance (2); Likely benign (1). Last evaluated 2025-05-15.

Conditions:
BRCA2-related cancer predisposition. Identifiers: MedGen CN377758, MONDO:0700269.
Hereditary cancer-predisposing syndrome. Also called: Neoplastic Syndromes, Hereditary; Tumor predisposition; Hereditary Cancer Syndrome; Hereditary neoplastic syndrome. Identifiers: Orphanet 140162, MedGen C0027672, MeSH D009386, MONDO:0015356.

Allele frequency attached by ClinVar (database versions not stated): gnomAD exomes below 0.00001.
gnomAD v4.1: 1 of 1,614,150 alleles (0.000062%); highest among the groups gnomAD compares: East Asian, 0.0022%; no homozygotes.

Submissions (3):

Ambry Genetics
Classification: Likely benign for Hereditary cancer-predisposing syndrome. Last evaluated: 2025-05-15. Review status: criteria provided, single submitter. Criteria: Ambry Variant Classification Scheme 2023. Collection method: clinical testing. Allele origin: germline.

All of Us Research Program, National Institutes of Health
Classification: Uncertain significance for BRCA2-related cancer predisposition. Last evaluated: 2024-08-23. Review status: criteria provided, single submitter. Criteria: ACMG Guidelines, 2015. Collection method: clinical testing. Allele origin: germline. Inheritance: Autosomal dominant inheritance. Observed: 1 variant allele, 1 heterozygote.
Comment: This missense variant replaces lysine with glutamic acid at codon 2868 of the BRCA2 protein. Computational prediction suggests that this variant may not impact protein structure and function. To our knowledge, functional studies have not been reported for this variant. This variant has been reported in a healthy individual unaffected by cancer (PMID: 38566028). This variant has been identified in 1/251120 chromosomes in the general population by the Genome Aggregation Database (gnomAD). The available evidence is insufficient to determine the role of this variant in disease conclusively. Therefore, this variant is classified as a Variant of Uncertain Significance.

This study involves interpretation of variants in research participants for the purpose of population health screening. Participant phenotype was not available at the time of variant classification. Additional details can be found in publication PMID: 35346344, PMCID: PMC8962531

Color Diagnostics, LLC DBA Color Health
Classification: Uncertain significance for Hereditary cancer-predisposing syndrome. Last evaluated: 2024-08-14. Review status: criteria provided, single submitter. Criteria: ACMG Guidelines, 2015. Collection method: clinical testing. Allele origin: germline.
Comment: This missense variant replaces lysine with glutamic acid at codon 2868 of the BRCA2 protein. Computational prediction suggests that this variant may not impact protein structure and function. To our knowledge, functional studies have not been reported for this variant. This variant has been reported in a healthy individual unaffected by cancer (PMID: 38566028). This variant has been identified in 1/251120 chromosomes in the general population by the Genome Aggregation Database (gnomAD). The available evidence is insufficient to determine the role of this variant in disease conclusively. Therefore, this variant is classified as a Variant of Uncertain Significance.

Literature cited by the submitters: PubMed 38566028 (cited by All of Us Research Program, National Institutes of Health and Color Diagnostics, LLC DBA Color Health).